The following is an entry in ClinVar:

ClinVar aggregate classification (germline): Benign. Review status: criteria provided, multiple submitters, no conflicts (2 of 4 stars). 7 submissions from 6 submitters: Benign (5). 2 of the submissions do not count toward it. Last evaluated 2023-10-01.

Conditions:
Occult macular dystrophy (OCMD). Also called: OMD; OCCULT MACULAR DYSTROPHY, SUSCEPTIBILITY TO. Identifiers: Orphanet 247834, MedGen C3150833, MONDO:0013316, OMIM 613587, HP:0030636.
Retinitis pigmentosa 88. Identifiers: MedGen C5394208, MONDO:0032940, OMIM 618826.
Retinal dystrophy. Also called: Inherited retinal dystrophy. Identifiers: Orphanet 71862, MedGen C0854723, MeSH D058499, MONDO:0019118, HP:0000556.

Allele frequency attached by ClinVar (database versions not stated): 1000 Genomes Project 0.31490; 1000 Genomes Project 30x 0.32136; ExAC 0.42352; TOPMed 0.43077; gnomAD 0.44178 and 0.45034; ESP Exome Variant Server 0.47706.
gnomAD v4.1: 804,178 of 1,613,364 alleles (50%); highest among the groups gnomAD compares: Non-Finnish European, 55%; 211,357 homozygotes.

Submissions (7):

Dept Of Ophthalmology, Nagoya University
Classification: Benign for Retinal dystrophy. Last evaluated: 2023-10-01. Review status: criteria provided, single submitter. Criteria: Submitter's publication. Collection method: research. Allele origin: germline. Affected: yes.

Genome-Nilou Lab
Classification: Benign for Occult macular dystrophy. Last evaluated: 2021-11-07. Review status: criteria provided, single submitter. Criteria: ACMG Guidelines, 2015. Collection method: clinical testing. Allele origin: germline. Affected: no.

Genome-Nilou Lab
Classification: Benign for Retinitis pigmentosa 88. Last evaluated: 2021-11-07. Review status: criteria provided, single submitter. Criteria: ACMG Guidelines, 2015. Collection method: clinical testing. Allele origin: germline. Affected: no.

Illumina Laboratory Services, Illumina
Classification: Benign for Occult macular dystrophy. Last evaluated: 2018-01-13. Review status: criteria provided, single submitter. Criteria: ICSL Variant Classification Criteria 13 December 2019. Collection method: clinical testing. Allele origin: germline.
Comment: This variant was observed in the ICSL laboratory as part of a predisposition screen in an ostensibly healthy population. It had not been previously curated by ICSL or reported in the Human Gene Mutation Database (HGMD: prior to June 1st, 2018), and was therefore a candidate for classification through an automated scoring system. Utilizing variant allele frequency, disease prevalence and penetrance estimates, and inheritance mode, an automated score was calculated to assess if this variant is too frequent to cause the disease. Based on the score and internal cut-off values, a variant classified as benign is not then subjected to further curation. The score for this variant resulted in a classification of benign for this disease.

Breakthrough Genomics
Classification: Benign. Review status: criteria provided, single submitter. Criteria: ACMG Guidelines, 2015. Collection method: not provided. Allele origin: germline. Inheritance: Autosomal recessive inheritance. Affected: yes.

Diagnostic Laboratory, Department of Genetics, University Medical Center Groningen
Classification: Benign. Review status: no assertion criteria provided. Collection method: clinical testing. Allele origin: germline. Affected: yes. Study: VKGL Data-share Consensus. Not counted in ClinVar's aggregate classification.

Joint Genome Diagnostic Labs from Nijmegen and Maastricht, Radboudumc and MUMC+
Classification: Benign. Review status: no assertion criteria provided. Collection method: clinical testing. Allele origin: germline. Affected: yes. Study: VKGL Data-share Consensus. Not counted in ClinVar's aggregate classification.

NM_178857.6(RP1L1):c.2375T>C (p.Leu792Pro)

Gene: RP1L1 (RP1 like 1). Cytogenetic location: 8p23.1.
Variant type: single nucleotide variant.
Coding change: c.2375T>C on transcript NM_178857.6 (MANE Select); coding-DNA position 2375, T replaced by C.
Protein change: p.Leu792Pro; replaces leucine 792 with proline.
Molecular consequence: missense variant.
Genome position (GRCh38, 1-based): chr8:10,611,723, A>G on the plus strand (T>C on the coding strand, the complement: RP1L1 is on the minus strand). VCF-style: chr8-10611723-A-G. GRCh37 (hg19) VCF-style: chr8-10469233-A-G.
Other names: short protein forms L792P.
Identifiers: ClinVar variation 361349 (VCV000361349.14), dbSNP rs35602868, ClinGen allele CA4624857.